The following is an entry in ClinVar:

ClinVar aggregate classification (germline): Uncertain significance (1 of 4 stars; one submission).

Conditions:
Hypertrophic cardiomyopathy 14. Identifiers: MedGen C2750467, MONDO:0013197, OMIM 613251.

Submission:

Labcorp Genetics (formerly Invitae), Labcorp
Classification: Uncertain significance for Hypertrophic cardiomyopathy 14. Last evaluated: 2022-02-25. Review status: criteria provided, single submitter. Criteria: Invitae Variant Classification Sherloc (09022015). Collection method: clinical testing. Allele origin: germline.
Comment: In summary, the available evidence is currently insufficient to determine the role of this variant in disease. Therefore, it has been classified as a Variant of Uncertain Significance. Algorithms developed to predict the effect of sequence changes on RNA splicing suggest that this variant may disrupt the consensus splice site. This variant has not been reported in the literature in individuals affected with MYH6-related conditions. This variant is not present in population databases (gnomAD no frequency). This sequence change affects a donor splice site in intron 35 of the MYH6 gene. It is expected to disrupt RNA splicing. Variants that disrupt the donor or acceptor splice site typically lead to a loss of protein function (PMID: 16199547), however the current clinical and genetic evidence is not sufficient to establish whether loss-of-function variants in MYH6 cause disease.

Literature cited by the submitters: PubMed 16199547.

NM_002471.4(MYH6):c.5289+1G>C

Gene: MYH6 (myosin heavy chain 6; minus strand). Cytogenetic location: 14q11.2.
Variant type: single nucleotide variant.
Coding change: c.5289+1G>C on transcript NM_002471.4 (MANE Select); the canonical splice donor site of the intron after coding-DNA position 5289, G replaced by C.
Molecular consequence: splice donor variant.
Genome position (GRCh38, 1-based): chr14:23,384,915, C>G on the plus strand (G>C on the coding strand, the complement: MYH6 is on the minus strand). VCF-style: chr14-23384915-C-G. GRCh37 (hg19) VCF-style: chr14-23854124-C-G.
Identifiers: ClinVar variation 2094994 (VCV002094994.4), dbSNP rs1216137166, ClinGen allele CA388987517.